The following is an entry in ClinVar:

ClinVar aggregate classification (germline): Uncertain significance (1 of 4 stars; one submission).

Submission:

GeneDx
Classification: Uncertain significance. Last evaluated: 2020-02-11. Review status: criteria provided, single submitter. Criteria: GeneDx Variant Classification Process June 2021. Collection method: clinical testing. Allele origin: germline. Affected: yes.
Comment: Not observed in large population cohorts (Lek et al., 2016); In silico analysis, which includes protein predictors and evolutionary conservation, supports a deleterious effect; Has not been previously published as pathogenic or benign to our knowledge

NM_000088.4(COL1A1):c.4199C>A (p.Ala1400Asp)

Gene: COL1A1 (collagen type I alpha 1 chain; minus strand). Cytogenetic location: 17q21.33.
Variant type: single nucleotide variant.
Coding change: c.4199C>A on transcript NM_000088.4 (MANE Select); coding-DNA position 4199, C replaced by A.
Protein change: p.Ala1400Asp; replaces alanine 1400 with aspartic acid.
Molecular consequence: missense variant.
Genome position (GRCh38, 1-based): chr17:50,185,827, G>T on the plus strand (C>A on the coding strand, the complement: COL1A1 is on the minus strand). VCF-style: chr17-50185827-G-T. GRCh37 (hg19) VCF-style: chr17-48263188-G-T.
Other names: short protein forms A1400D.
Identifiers: ClinVar variation 1306141 (VCV001306141.2), dbSNP rs1598284064, ClinGen allele CA400191629.